The following is an entry in ClinVar:

ClinVar aggregate classification (germline): Pathogenic (1 of 4 stars; one submission).

Submission:

GeneDx
Classification: Pathogenic. Last evaluated: 2025-01-10. Review status: criteria provided, single submitter. Criteria: GeneDx Variant Classification Process June 2021. Collection method: clinical testing. Allele origin: germline. Affected: yes.
Comment: Nonsense variant predicted to result in protein truncation or nonsense mediated decay in a gene for which loss of function is a known mechanism of disease; Not observed at significant frequency in large population cohorts (gnomAD); Has not been previously published as pathogenic or benign to our knowledge

NM_001356.5(DDX3X):c.1756G>T (p.Gly586Ter)

Gene: DDX3X (DEAD-box helicase 3 X-linked; plus strand). Cytogenetic location: Xp11.4.
Variant type: single nucleotide variant.
Coding change: c.1756G>T on transcript NM_001356.5 (MANE Select); coding-DNA position 1756, G replaced by T.
Protein change: p.Gly586Ter; replaces glycine 586 with a stop codon.
Molecular consequence: nonsense. On other transcripts: non-coding transcript variant (1).
Genome position (GRCh38, 1-based): chrX:41,346,999, G>T. VCF-style: chrX-41346999-G-T. GRCh37 (hg19) VCF-style: chrX-41206252-G-T.
Other names: c.1756G>T, p.Gly586Ter (NM_001193416.3); c.1708G>T, p.Gly570Ter (NM_001193417.3); c.1198G>T, p.Gly400Ter (NM_001363819.1); short protein forms G400*, G570*, G586*.
Identifiers: ClinVar variation 4056831 (VCV004056831.1).
Genomic context (GRCh38, chrX:41,346,999, plus strand): 5'-GAAGTGCCGTCTTGGTTAGAAAACATGGCTTATGAACACCACTACAAGGGTAGCAGTCGT[G>T]GACGTTCTAAGAGGTGAGGTATAAATAGTATATAATGAGGGGAATGGGTGTTCACTTACA-3'